The following is an entry in ClinVar:

NM_001040436.3(YARS2):c.572dup (p.His192fs)

Gene: YARS2 (tyrosyl-tRNA synthetase 2; minus strand). Cytogenetic location: 12p11.21.
Variant type: Duplication.
Coding change: c.572dup on transcript NM_001040436.3 (MANE Select); coding-DNA position 572, one base duplicated (G; older notation c.572dupG).
Protein change: p.His192fs; shifts the reading frame from histidine 192.
Molecular consequence: frameshift variant.
Genome position (GRCh38, 1-based): chr12:32,755,303, C duplicated on the plus strand (G on the coding strand, the reverse complement: YARS2 is on the minus strand); the first of 6 consecutive C bases (chr12:32,755,303-32,755,308); duplicating any one gives the same sequence. VCF-style (leftmost placement, unchanged base first): chr12-32755302-A-AC. GRCh37 (hg19) VCF-style: chr12-32908236-A-AC.
Other names: short protein forms H192fs.
Identifiers: ClinVar variation 2015119 (VCV002015119.4), dbSNP rs770210023, ClinGen allele CA6508150.

ClinVar aggregate classification (germline): Pathogenic (1 of 4 stars; one submission).

Submission:

Labcorp Genetics (formerly Invitae), Labcorp
Classification: Pathogenic. Last evaluated: 2022-09-13. Review status: criteria provided, single submitter. Criteria: Invitae Variant Classification Sherloc (09022015). Collection method: clinical testing. Allele origin: germline.
Comment: For these reasons, this variant has been classified as Pathogenic. This variant has not been reported in the literature in individuals affected with YARS2-related conditions. This variant is present in population databases (rs770210023, gnomAD 0.003%). This sequence change creates a premature translational stop signal (p.His192Serfs*37) in the YARS2 gene. It is expected to result in an absent or disrupted protein product. Loss-of-function variants in YARS2 are known to be pathogenic (PMID: 20598274, 24344687, 25638461).

Literature cited by the submitters: PubMed 20598274; PubMed 24344687; PubMed 25638461.